The following is an entry in ClinVar:

NM_018062.4(FANCL):c.965A>G (p.Gln322Arg)

Gene: FANCL (FA complementation group L; minus strand). Cytogenetic location: 2p16.1.
Variant type: single nucleotide variant.
Coding change: c.965A>G on transcript NM_018062.4 (MANE Select); coding-DNA position 965, A replaced by G.
Protein change: p.Gln322Arg; replaces glutamine 322 with arginine.
Molecular consequence: missense variant.
Genome position (GRCh38, 1-based): chr2:58,161,577, T>C on the plus strand (A>G on the coding strand, the complement: FANCL is on the minus strand). VCF-style: chr2-58161577-T-C. GRCh37 (hg19) VCF-style: chr2-58388712-T-C.
Other names: c.980A>G, p.Gln327Arg (NM_001114636.2); c.1010A>G, p.Gln337Arg (NM_001374615.1); c.1025A>G, p.Gln342Arg (NM_001410792.1); short protein forms Q322R, Q327R, Q337R, Q342R.
Identifiers: ClinVar variation 2704654 (VCV002704654.3), dbSNP rs1685177309, ClinGen allele CA346932945.

ClinVar aggregate classification (germline): Uncertain significance (1 of 4 stars; one submission).

Conditions:
Fanconi anemia (FA). Also called: Fanconi's anemia. Identifiers: Orphanet 84, MedGen C0015625, MeSH D005199, MONDO:0019391.

Allele frequency attached by ClinVar (database versions not stated): gnomAD 0.00001; gnomAD exomes 0.00001; TOPMed 0.00001.
gnomAD v4.1: 8 of 1,611,540 alleles (0.0005%); highest among the groups gnomAD compares: Non-Finnish European, 0.00068%; no homozygotes.

Submission:

Labcorp Genetics (formerly Invitae), Labcorp
Classification: Uncertain significance for Fanconi anemia. Last evaluated: 2024-09-05. Review status: criteria provided, single submitter. Criteria: Invitae Variant Classification Sherloc (09022015). Collection method: clinical testing. Allele origin: germline.
Comment: This sequence change replaces glutamine, which is neutral and polar, with arginine, which is basic and polar, at codon 322 of the FANCL protein (p.Gln322Arg). This variant is not present in population databases (gnomAD no frequency). This variant has not been reported in the literature in individuals affected with FANCL-related conditions. Invitae Evidence Modeling of protein sequence and biophysical properties (such as structural, functional, and spatial information, amino acid conservation, physicochemical variation, residue mobility, and thermodynamic stability) indicates that this missense variant is not expected to disrupt FANCL protein function with a negative predictive value of 80%. In summary, the available evidence is currently insufficient to determine the role of this variant in disease. Therefore, it has been classified as a Variant of Uncertain Significance.